The following is an entry in ClinVar:

NM_000222.3(KIT):c.2355C>T (p.Ser785=)

Gene: KIT (KIT proto-oncogene, receptor tyrosine kinase; plus strand). Cytogenetic location: 4q12.
Variant type: single nucleotide variant.
Coding change: c.2355C>T on transcript NM_000222.3 (MANE Select); coding-DNA position 2355, C replaced by T.
Protein change: p.Ser785=; no amino-acid change (serine 785 retained).
Molecular consequence: synonymous variant.
Genome position (GRCh38, 1-based): chr4:54,731,992, C>T. VCF-style: chr4-54731992-C-T. GRCh37 (hg19) VCF-style: chr4-55598158-C-T.
Other names: c.2343C>T, p.Ser781= (NM_001093772.2, NM_001385292.1); c.2358C>T, p.Ser786= (NM_001385284.1); c.2352C>T, p.Ser784= (NM_001385285.1); c.2340C>T, p.Ser780= (NM_001385286.1); c.2346C>T, p.Ser782= (NM_001385288.1); c.2355C>T, p.Ser785= (NM_001385290.1).
Identifiers: ClinVar variation 701505 (VCV000701505.14), dbSNP rs889291047, ClinGen allele CA96878507.

ClinVar aggregate classification (germline): Benign/Likely benign. Review status: criteria provided, multiple submitters, no conflicts (2 of 4 stars). 3 submissions from 3 submitters: Benign (1); Likely benign (2). Last evaluated 2026-06-04.

Conditions:
Gastrointestinal stromal tumor. Also called: Gastrointestinal stromal tumor, somatic; Gastrointestinal stroma tumor. Identifiers: Orphanet 44890, MedGen C0238198, MeSH D046152, MONDO:0011719, OMIM 606764, HP:0100723.
Hereditary cancer-predisposing syndrome. Also called: Neoplastic Syndromes, Hereditary; Hereditary Cancer Syndrome; Hereditary neoplastic syndrome; Tumor predisposition. Identifiers: Orphanet 140162, MedGen C0027672, MeSH D009386, MONDO:0015356.

Allele frequency attached by ClinVar (database versions not stated): gnomAD exomes below 0.00001; gnomAD 0.00001.
gnomAD v4.1: 3 of 1,612,068 alleles (0.00019%); highest among the groups gnomAD compares: African/African-American, 0.004%; no homozygotes.

Submissions (3):

Myriad Genetics, Inc.
Classification: Benign for Gastrointestinal stromal tumor. Last evaluated: 2026-06-04. Review status: criteria provided, single submitter. Criteria: Myriad Autosomal Dominant, Autosomal Recessive and X-Linked Classification Criteria (2023). Collection method: clinical testing. Allele origin: unknown.
Comment: This variant is considered benign. This variant is a silent/synonymous amino acid change and it is not expected to impact splicing.

Labcorp Genetics (formerly Invitae), Labcorp
Classification: Likely benign for Gastrointestinal stromal tumor. Last evaluated: 2025-09-30. Review status: criteria provided, single submitter. Criteria: Invitae Variant Classification Sherloc (09022015). Collection method: clinical testing. Allele origin: germline.

Ambry Genetics
Classification: Likely benign for Hereditary cancer-predisposing syndrome. Last evaluated: 2023-01-21. Review status: criteria provided, single submitter. Criteria: Ambry Variant Classification Scheme 2023. Collection method: clinical testing. Allele origin: germline.